The following is an entry in ClinVar:

NM_015466.4(PTPN23):c.798C>G (p.Phe266Leu)

Gene: PTPN23 (protein tyrosine phosphatase non-receptor type 23; plus strand). Cytogenetic location: 3p21.31.
Variant type: single nucleotide variant.
Coding change: c.798C>G on transcript NM_015466.4 (MANE Select); coding-DNA position 798, C replaced by G.
Protein change: p.Phe266Leu; replaces phenylalanine 266 with leucine.
Molecular consequence: missense variant.
Genome position (GRCh38, 1-based): chr3:47,406,741, C>G. VCF-style: chr3-47406741-C-G. GRCh37 (hg19) VCF-style: chr3-47448231-C-G.
Other names: c.420C>G, p.Phe140Leu (NM_001304482.2); short protein forms F266L, F140L.
Identifiers: ClinVar variation 1938252 (VCV001938252.4), dbSNP rs779293400, ClinGen allele CA352546073.
Genomic context (GRCh38, chr3:47,406,741, plus strand): 5'-GGCGTCTCTTCTTCTTTCCCAGCTGCACATGGGAAAGCAGGCCGAGGAGCAGCAGAAGTT[C>G]GGGGAGCGGGTGAGCTACAGCGAGGAGGGGACTGGGGACCAATGGCAGCCTTCAGTGAGA-3'
Protein context (NP_056281.1, residues 256-276): MGKQAEEQQK[Phe266Leu]GERVAYFQSA

ClinVar aggregate classification (germline): Uncertain significance (1 of 4 stars; one submission).

Submission:

Labcorp Genetics (formerly Invitae), Labcorp
Classification: Uncertain significance. Last evaluated: 2024-10-22. Review status: criteria provided, single submitter. Criteria: Invitae Variant Classification Sherloc (09022015). Collection method: clinical testing. Allele origin: germline.
Comment: This sequence change replaces phenylalanine, which is neutral and non-polar, with leucine, which is neutral and non-polar, at codon 266 of the PTPN23 protein (p.Phe266Leu). This variant is not present in population databases (gnomAD no frequency). This variant has not been reported in the literature in individuals affected with PTPN23-related conditions. ClinVar contains an entry for this variant (Variation ID: 1938252). Experimental studies and prediction algorithms are not available or were not evaluated, and the functional significance of this variant is currently unknown. Algorithms developed to predict the effect of sequence changes on RNA splicing suggest that this variant may disrupt the consensus splice site. In summary, the available evidence is currently insufficient to determine the role of this variant in disease. Therefore, it has been classified as a Variant of Uncertain Significance.